The following is an entry in ClinVar:

NM_000038.6(APC):c.1213del (p.Arg405fs)

Gene: APC (APC regulator of Wnt signaling pathway; plus strand). Cytogenetic location: 5q22.2.
Variant type: Deletion.
Coding change: c.1213del on transcript NM_000038.6 (MANE Select); coding-DNA position 1213, one base deleted (C; older notation c.1213delC).
Protein change: p.Arg405fs; shifts the reading frame from arginine 405.
Molecular consequence: frameshift variant. On other transcripts: intron variant (4).
Genome position (GRCh38, 1-based): chr5:112,819,245, C deleted; the last of 2 consecutive C bases (chr5:112,819,244-112,819,245); deleting either gives the same sequence. VCF-style (leftmost placement, unchanged base first): chr5-112819243-TC-T. GRCh37 (hg19) VCF-style: chr5-112154940-TC-T.
Other names: c.1213del, p.Arg405fs (NM_001127510.3, NM_001354895.2, NM_001354896.2); c.1159del, p.Arg387fs (NM_001127511.3); c.1243del, p.Arg415fs (NM_001354897.2); c.1138del, p.Arg380fs (NM_001354898.2); c.1129del, p.Arg377fs (NM_001354899.2); c.1036del, p.Arg346fs (NM_001354900.2, NM_001354901.2); c.364del, p.Arg122fs (NM_001354906.2); c.964-24del (NM_001354902.2); and 3 more; short protein forms R122fs, R377fs, R387fs, R346fs, R380fs, R405fs, R415fs.
Identifiers: ClinVar variation 433617 (VCV000433617.4), dbSNP rs1554080070, ClinGen allele CA645372771.

ClinVar aggregate classification (germline): Pathogenic. Review status: criteria provided, single submitter (1 of 4 stars). 2 submissions from 2 submitters: Pathogenic (1). 1 of the submissions does not count toward it. Last evaluated 2023-04-28.

Conditions:
Familial adenomatous polyposis 1 (FAP1). Also called: POLYPOSIS, ADENOMATOUS INTESTINAL; FAMILIAL ADENOMATOUS POLYPOSIS 1, ATTENUATED. Identifiers: MedGen C2713442, MONDO:0021056, OMIM 175100. Disease mechanism: loss of function.

Submissions (2):

Myriad Genetics, Inc.
Classification: Pathogenic for Familial adenomatous polyposis 1. Last evaluated: 2023-04-28. Review status: criteria provided, single submitter. Criteria: Myriad Autosomal Dominant, Autosomal Recessive and X-Linked Classification Criteria (2023). Collection method: clinical testing. Allele origin: unknown.
Comment: This variant is considered pathogenic. This variant creates a frameshift predicted to result in premature protein truncation.

Department of Pathology and Laboratory Medicine, Sinai Health System
Classification: Pathogenic for Familial adenomatous polyposis 1. Review status: no assertion criteria provided. Collection method: clinical testing. Allele origin: unknown. Affected: yes. Observed: 1 variant allele. Study: The Canadian Open Genetics Repository (COGR). Not counted in ClinVar's aggregate classification.
Comment: The p.Arg405X variant has been previously reported in at least 4 of 2632 proband chromosomes in individuals with FAP (Selected publications: Nagase 1992, Friedl 2005). In addition, this variant has been identified as a frequent mutation in somatic colorectal cancer (Harismendy 2011, Powell 1992). The p.Arg405X variant leads to an amino acid change at position 405 of the polypeptide, and a premature stop codon 49 amino acids downstream. This variant is predicted to lead to a truncated or absent protein and loss of function. Loss of function variants of the APC gene are an established mechanism of disease causing mutations in FAP. In summary, based on the above information, this variant meets our criteria to be classified as pathogenic.